The following is an entry in ClinVar:

ClinVar aggregate classification (germline): Uncertain significance (1 of 4 stars; one submission).

Conditions:
COG7 congenital disorder of glycosylation (CDG2E). Also called: CONGENITAL DISORDER OF GLYCOSYLATION, TYPE IIe; CDG IIe. Identifiers: Orphanet 79333, MedGen C2931010, MONDO:0012118, OMIM 608779.

Submission:

Labcorp Genetics (formerly Invitae), Labcorp
Classification: Uncertain significance for COG7 congenital disorder of glycosylation. Last evaluated: 2025-11-20. Review status: criteria provided, single submitter. Criteria: Invitae Variant Classification Sherloc (09022015). Collection method: clinical testing. Allele origin: germline.
Comment: This sequence change replaces isoleucine, which is neutral and non-polar, with methionine, which is neutral and non-polar, at codon 94 of the COG7 protein (p.Ile94Met). This variant is not present in population databases (gnomAD no frequency). This variant has not been reported in the literature in individuals affected with COG7-related conditions. Invitae Evidence Modeling of protein sequence and biophysical properties (such as structural, functional, and spatial information, amino acid conservation, physicochemical variation, residue mobility, and thermodynamic stability) indicates that this missense variant is expected to disrupt COG7 protein function with a positive predictive value of 80%. In summary, the available evidence is currently insufficient to determine the role of this variant in disease. Therefore, it has been classified as a Variant of Uncertain Significance.

NM_153603.4(COG7):c.282T>G (p.Ile94Met)

Gene: COG7 (component of oligomeric golgi complex 7; minus strand). Cytogenetic location: 16p12.2.
Variant type: single nucleotide variant.
Coding change: c.282T>G on transcript NM_153603.4 (MANE Select); coding-DNA position 282, T replaced by G.
Protein change: p.Ile94Met; replaces isoleucine 94 with methionine.
Molecular consequence: missense variant.
Genome position (GRCh38, 1-based): chr16:23,445,849, A>C on the plus strand (T>G on the coding strand, the complement: COG7 is on the minus strand). VCF-style: chr16-23445849-A-C. GRCh37 (hg19) VCF-style: chr16-23457170-A-C.
Other names: short protein forms I94M.
Identifiers: ClinVar variation 4746104 (VCV004746104.1).